The following is an entry in ClinVar:

ClinVar aggregate classification (germline): Uncertain significance. Review status: criteria provided, multiple submitters, no conflicts (2 of 4 stars). 2 submissions from 2 submitters: Uncertain significance (2). Last evaluated 2025-05-19.

Conditions:
Cryopyrin associated periodic syndrome (CAPS). Identifiers: Orphanet 208650, MedGen C2316212, MONDO:0016168.
Chronic infantile neurological, cutaneous and articular syndrome (CINCA). Also called: CINCA syndrome; CHRONIC NEUROLOGIC CUTANEOUS AND ARTICULAR SYNDROME; Prieur Griscelli syndrome; CRYOPYRIN-ASSOCIATED PERIODIC SYNDROME 3. Identifiers: Orphanet 1451, MedGen C0409818, MONDO:0011776, OMIM 607115.
Keratitis fugax hereditaria. Also called: KERATOENDOTHELIITIS FUGAX HEREDITARIA. Identifiers: Orphanet 647815, MedGen C1835697, MONDO:0007849, OMIM 148200.
Familial cold autoinflammatory syndrome 1 (FCAS1). Also called: CRYOPYRIN-ASSOCIATED PERIODIC SYNDROME 1; Familial cold inflammatory syndrome 1. Identifiers: Orphanet 47045, MedGen C4551895, MONDO:0007349, OMIM 120100.
Familial amyloid nephropathy with urticaria AND deafness (MWS). Also called: Urticaria, deafness and amyloidosis; UDA SYNDROME; URTICARIA-DEAFNESS-AMYLOIDOSIS SYNDROME; MUCKLE-WELLS SYNDROME; CRYOPYRIN-ASSOCIATED PERIODIC SYNDROME 2. Identifiers: Orphanet 575, MedGen C0268390, MONDO:0008633, OMIM 191900.
Hearing loss, autosomal dominant 34, with or without inflammation. Also called: DEAFNESS, AUTOSOMAL DOMINANT 34, WITH OR WITHOUT INFLAMMATION. Identifiers: MedGen C4521680, MONDO:0033261, OMIM 617772.

Allele frequency attached by ClinVar (database versions not stated): ExAC 0.00001; gnomAD exomes 0.00001; gnomAD 0.00002 and 0.00003; TOPMed 0.00002.

Submissions (2):

Labcorp Genetics (formerly Invitae), Labcorp
Classification: Uncertain significance for Cryopyrin associated periodic syndrome. Last evaluated: 2025-05-19. Review status: criteria provided, single submitter. Criteria: Invitae Variant Classification Sherloc (09022015). Collection method: clinical testing. Allele origin: germline.
Comment: This sequence change replaces threonine, which is neutral and polar, with methionine, which is neutral and non-polar, at codon 764 of the NLRP3 protein (p.Thr764Met). This variant is present in population databases (rs759466218, gnomAD 0.006%). This variant has not been reported in the literature in individuals affected with NLRP3-related conditions. ClinVar contains an entry for this variant (Variation ID: 1350441). Invitae Evidence Modeling of protein sequence and biophysical properties (such as structural, functional, and spatial information, amino acid conservation, physicochemical variation, residue mobility, and thermodynamic stability) indicates that this missense variant is not expected to disrupt NLRP3 protein function with a negative predictive value of 95%. In summary, the available evidence is currently insufficient to determine the role of this variant in disease. Therefore, it has been classified as a Variant of Uncertain Significance.

Fulgent Genetics
Classification: Uncertain significance for Familial cold autoinflammatory syndrome 1; Keratitis fugax hereditaria; Familial amyloid nephropathy with urticaria AND deafness; Chronic infantile neurological, cutaneous and articular syndrome; Hearing loss, autosomal dominant 34, with or without inflammation. Last evaluated: 2024-03-29. Review status: criteria provided, single submitter. Criteria: ACMG Guidelines, 2015. Collection method: clinical testing. Allele origin: germline.

NM_001243133.2(NLRP3):c.2285C>T (p.Thr762Met)

Gene: NLRP3 (NLR family pyrin domain containing 3; plus strand). Cytogenetic location: 1q44.
Variant type: single nucleotide variant.
Coding change: c.2285C>T on transcript NM_001243133.2 (MANE Select); coding-DNA position 2285, C replaced by T.
Protein change: p.Thr762Met; replaces threonine 762 with methionine.
Molecular consequence: missense variant. On other transcripts: intron variant (2).
Genome position (GRCh38, 1-based): chr1:247,429,719, C>T. VCF-style: chr1-247429719-C-T. GRCh37 (hg19) VCF-style: chr1-247593021-C-T.
Other names: c.2285C>T, p.Thr762Met (NM_001079821.3, NM_001127461.3); c.2291C>T, p.Thr764Met (NM_004895.5); c.2150+4120C>T (NM_001127462.3, NM_183395.3); short protein forms T762M, T764M.
Identifiers: ClinVar variation 1350441 (VCV001350441.8), dbSNP rs759466218, ClinGen allele CA1495166.